The following is an entry in ClinVar:

ClinVar aggregate classification (germline): Uncertain significance. Review status: criteria provided, multiple submitters, no conflicts (2 of 4 stars). 3 submissions from 3 submitters: Uncertain significance (3). Last evaluated 2025-06-07.

Conditions:
TBX3-related disorder. Also called: TBX3-related condition.
Inborn genetic diseases. Identifiers: MedGen C0950123, MeSH D030342.
Ulnar-mammary syndrome (UMS). Also called: SCHINZEL SYNDROME; Ulnar-mammary syndrome of Pallister; PALLISTER ULNAR-MAMMARY SYNDROME. Identifiers: Orphanet 3138, MedGen C1866994, MONDO:0008411, OMIM 181450.

Allele frequency attached by ClinVar (database versions not stated): gnomAD exomes 0.00001; ExAC 0.00003.

Submissions (3):

Ambry Genetics
Classification: Uncertain significance for Inborn genetic diseases. Last evaluated: 2025-06-07. Review status: criteria provided, single submitter. Criteria: Ambry Variant Classification Scheme 2023. Collection method: clinical testing. Allele origin: germline.

PreventionGenetics, part of Exact Sciences
Classification: Uncertain significance for TBX3-related condition. Last evaluated: 2025-05-13. Review status: criteria provided, single submitter. Criteria: ACMG Guidelines, 2015. Collection method: clinical testing. Allele origin: germline.
Comment: The TBX3 c.1684G>A variant is predicted to result in the amino acid substitution p.Ala562Thr. To our knowledge, this variant has not been reported in the literature. This variant is reported in 0.0081% of alleles in individuals of South Asian descent in gnomAD. At this time, the clinical significance of this variant is uncertain due to the absence of conclusive functional and genetic evidence.

Labcorp Genetics (formerly Invitae), Labcorp
Classification: Uncertain significance for Ulnar-mammary syndrome. Last evaluated: 2019-06-16. Review status: criteria provided, single submitter. Criteria: Invitae Variant Classification Sherloc (09022015). Collection method: clinical testing. Allele origin: germline.
Comment: This sequence change replaces alanine with threonine at codon 542 of the TBX3 protein (p.Ala542Thr). The alanine residue is moderately conserved and there is a small physicochemical difference between alanine and threonine. This variant is present in population databases (rs374941856, ExAC 0.01%). This variant has not been reported in the literature in individuals with TBX3-related conditions. Algorithms developed to predict the effect of missense changes on protein structure and function are either unavailable or do not agree on the potential impact of this missense change (SIFT: "Deleterious"; PolyPhen-2: "Benign"; Align-GVGD: "Class C0"). In summary, the available evidence is currently insufficient to determine the role of this variant in disease. Therefore, it has been classified as a Variant of Uncertain Significance.

NM_005996.4(TBX3):c.1624G>A (p.Ala542Thr)

Gene: TBX3 (T-box transcription factor 3; minus strand). Cytogenetic location: 12q24.21.
Variant type: single nucleotide variant.
Coding change: c.1624G>A on transcript NM_005996.4 (MANE Select); coding-DNA position 1624, G replaced by A.
Protein change: p.Ala542Thr; replaces alanine 542 with threonine.
Molecular consequence: missense variant.
Genome position (GRCh38, 1-based): chr12:114,674,251, C>T on the plus strand (G>A on the coding strand, the complement: TBX3 is on the minus strand). VCF-style: chr12-114674251-C-T. GRCh37 (hg19) VCF-style: chr12-115112056-C-T.
Other names: c.1684G>A, p.Ala562Thr (NM_016569.4); c.1684G>A (NM_016569.3); short protein forms A542T, A562T.
Identifiers: ClinVar variation 944182 (VCV000944182.13), dbSNP rs374941856, ClinGen allele CA6809889.